The following is an entry in ClinVar:

ClinVar aggregate classification (germline): Uncertain significance (1 of 4 stars; one submission).

Conditions:
Familial cancer of breast. Also called: BREAST CANCER, FAMILIAL; hereditary breast carcinoma; Hereditary breast cancer. Identifiers: Orphanet 227535, MedGen C0346153, MONDO:0016419, OMIM 114480. Disease mechanism: loss of function.

Submission:

Labcorp Genetics (formerly Invitae), Labcorp
Classification: Uncertain significance for Familial cancer of breast. Last evaluated: 2022-11-24. Review status: criteria provided, single submitter. Criteria: Invitae Variant Classification Sherloc (09022015). Collection method: clinical testing. Allele origin: germline.
Comment: This sequence change replaces cysteine, which is neutral and slightly polar, with arginine, which is basic and polar, at codon 162 of the PALB2 protein (p.Cys162Arg). In summary, the available evidence is currently insufficient to determine the role of this variant in disease. Therefore, it has been classified as a Variant of Uncertain Significance. Algorithms developed to predict the effect of missense changes on protein structure and function (SIFT, PolyPhen-2, Align-GVGD) all suggest that this variant is likely to be tolerated. This variant has not been reported in the literature in individuals affected with PALB2-related conditions. This variant is not present in population databases (gnomAD no frequency).

NM_024675.4(PALB2):c.484T>C (p.Cys162Arg)

Gene: PALB2 (partner and localizer of BRCA2; minus strand). Cytogenetic location: 16p12.2.
Variant type: single nucleotide variant.
Coding change: c.484T>C on transcript NM_024675.4 (MANE Select); coding-DNA position 484, T replaced by C.
Protein change: p.Cys162Arg; replaces cysteine 162 with arginine.
Molecular consequence: missense variant. On other transcripts: 5 prime UTR variant (8), intron variant (3).
Genome position (GRCh38, 1-based): chr16:23,636,062, A>G on the plus strand (T>C on the coding strand, the complement: PALB2 is on the minus strand). VCF-style: chr16-23636062-A-G. GRCh37 (hg19) VCF-style: chr16-23647383-A-G.
Other names: c.424T>C, p.Cys142Arg (NM_001407296.1); c.484T>C, p.Cys162Arg (NM_001407297.1, NM_001407298.1, NM_001407299.1 and 3 more transcripts); c.-402T>C (NM_001407304.1, NM_001407305.1, NM_001407306.1 and 5 more transcripts); c.48+5048T>C (NM_001407314.1); c.-105+5048T>C (NM_001407313.1, NM_001407312.1); short protein forms C142R, C162R.
Identifiers: ClinVar variation 2816511 (VCV002816511.3), dbSNP rs2142442315, ClinGen allele CA395137101.